The following is an entry in ClinVar:

ClinVar aggregate classification (germline): Likely benign (1 of 4 stars; one submission).

Allele frequency attached by ClinVar (database versions not stated): gnomAD exomes below 0.00001.
gnomAD v4.1: 1 of 1,596,344 alleles (0.000063%); highest among the groups gnomAD compares: South Asian, 0.0011%; no homozygotes.

Submission:

CeGaT Center for Human Genetics Tuebingen
Classification: Likely benign. Last evaluated: 2023-02-01. Review status: criteria provided, single submitter. Criteria: CeGaT Center For Human Genetics Tuebingen Variant Classification Criteria Version 2. Collection method: clinical testing. Allele origin: germline. Affected: yes. Observed: 1 variant allele.
Comment: SPTBN5: PM2:Supporting, BP4, BP7

NM_016642.4(SPTBN5):c.9564C>T (p.Ser3188=)

Gene: SPTBN5 (spectrin beta, non-erythrocytic 5; minus strand). Cytogenetic location: 15q15.1.
Variant type: single nucleotide variant.
Coding change: c.9564C>T on transcript NM_016642.4 (MANE Select); coding-DNA position 9564, C replaced by T.
Protein change: p.Ser3188=; no amino-acid change (serine 3188 retained).
Molecular consequence: synonymous variant.
Genome position (GRCh38, 1-based): chr15:41,854,836, G>A on the plus strand (C>T on the coding strand, the complement: SPTBN5 is on the minus strand). VCF-style: chr15-41854836-G-A. GRCh37 (hg19) VCF-style: chr15-42147034-G-A.
Identifiers: ClinVar variation 2645207 (VCV002645207.24), dbSNP rs2547928421, ClinGen allele CA489993960.